The following is an entry in ClinVar:

ClinVar aggregate classification (germline): Uncertain significance (1 of 4 stars; one submission).

gnomAD v4.1: 1 of 1,614,052 alleles (0.000062%); highest among the groups gnomAD compares: Non-Finnish European, 0.000085%; no homozygotes.

Submission:

Labcorp Genetics (formerly Invitae), Labcorp
Classification: Uncertain significance. Last evaluated: 2025-08-12. Review status: criteria provided, single submitter. Criteria: Invitae Variant Classification Sherloc (09022015). Collection method: clinical testing. Allele origin: germline.
Comment: This sequence change replaces isoleucine, which is neutral and non-polar, with leucine, which is neutral and non-polar, at codon 876 of the TCF20 protein (p.Ile876Leu). This variant is present in population databases (no rsID available, gnomAD 0.0009%). This variant has not been reported in the literature in individuals affected with TCF20-related conditions. An algorithm developed to predict the effect of missense changes on protein structure and function outputs the following: PolyPhen-2: "Benign". The leucine amino acid residue is found in multiple mammalian species, which suggests that this missense change does not adversely affect protein function. In summary, the available evidence is currently insufficient to determine the role of this variant in disease. Therefore, it has been classified as a Variant of Uncertain Significance.

NM_001378418.1(TCF20):c.2626A>C (p.Ile876Leu)

Gene: TCF20 (transcription factor 20; minus strand). Cytogenetic location: 22q13.2.
Variant type: single nucleotide variant.
Coding change: c.2626A>C on transcript NM_001378418.1 (MANE Select); coding-DNA position 2626, A replaced by C.
Protein change: p.Ile876Leu; replaces isoleucine 876 with leucine.
Molecular consequence: missense variant.
Genome position (GRCh38, 1-based): chr22:42,212,680, T>G on the plus strand (A>C on the coding strand, the complement: TCF20 is on the minus strand). VCF-style: chr22-42212680-T-G. GRCh37 (hg19) VCF-style: chr22-42608686-T-G.
Other names: c.2626A>C, p.Ile876Leu (NM_005650.4, NM_181492.3); short protein forms I876L.
Identifiers: ClinVar variation 4761162 (VCV004761162.1).